The following is an entry in ClinVar:

ClinVar aggregate classification (germline): Conflicting classifications of pathogenicity. Review status: criteria provided, conflicting classifications (1 of 4 stars). 6 submissions from 6 submitters: Uncertain significance (2); Likely benign (3). 1 of the submissions does not count toward it. Last evaluated 2026-09-01.

Conditions:
Peroxisome biogenesis disorder 5A (Zellweger) (PBD5A). Identifiers: Orphanet 912, MedGen C3553940, MONDO:0013932, OMIM 614866.
Zellweger spectrum disorders (ZS). Also called: Zellweger Spectrum Disorder; Zellweger Spectrum; Zellweger syndrome; Zellweger Spectrum Disorder (ZSD). Identifiers: Orphanet 912, MedGen C0043459, MONDO:0019609.

Allele frequency attached by ClinVar (database versions not stated): ExAC 0.00007; gnomAD exomes 0.00013 and 0.00024; ESP Exome Variant Server 0.00023; gnomAD 0.00025 and 0.00027; TOPMed 0.00039.
gnomAD v4.1: 383 of 1,613,870 alleles (0.024%); highest among the groups gnomAD compares: Admixed American, 0.065%; 1 homozygote.

Submissions (6):

CeGaT Center for Human Genetics Tuebingen
Classification: Likely benign. Last evaluated: 2026-09-01. Review status: criteria provided, single submitter. Criteria: CeGaT Center For Human Genetics Tuebingen Variant Classification Criteria Version 2. Collection method: clinical testing. Allele origin: germline. Affected: yes. Observed: 1 variant allele.
Comment: PEX2: BP4, BP7

Labcorp Genetics (formerly Invitae), Labcorp
Classification: Likely benign for Peroxisome biogenesis disorder 5A (Zellweger). Last evaluated: 2026-02-02. Review status: criteria provided, single submitter. Criteria: Invitae Variant Classification Sherloc (09022015). Collection method: clinical testing. Allele origin: germline.

Blueprint Genetics
Classification: Likely benign. Last evaluated: 2024-11-21. Review status: criteria provided, single submitter. Criteria: ACMG Guidelines, 2015. Collection method: clinical testing. Allele origin: germline.

Eurofins Ntd Llc (ga)
Classification: Uncertain significance. Last evaluated: 2018-02-22. Review status: criteria provided, single submitter. Criteria: EGL ClinVar v180209 classification definitions. Collection method: clinical testing. Allele origin: germline. Observed: 3 variant alleles, 3 heterozygotes.

Illumina Laboratory Services, Illumina
Classification: Uncertain significance for Peroxisome biogenesis disorder 5A (Zellweger). Last evaluated: 2018-01-13. Review status: criteria provided, single submitter. Criteria: ICSL Variant Classification Criteria 13 December 2019. Collection method: clinical testing. Allele origin: germline.

Natera, Inc.
Classification: Uncertain significance for Zellweger syndrome. Last evaluated: 2020-01-24. Review status: no assertion criteria provided. Collection method: clinical testing. Allele origin: germline. Not counted in ClinVar's aggregate classification.

NM_000318.3(PEX2):c.447T>G (p.Gly149=)

Gene: PEX2 (peroxisomal biogenesis factor 2; minus strand). Cytogenetic location: 8q21.13.
Variant type: single nucleotide variant.
Coding change: c.447T>G on transcript NM_000318.3 (MANE Select); coding-DNA position 447, T replaced by G.
Protein change: p.Gly149=; no amino-acid change (glycine 149 retained).
Molecular consequence: synonymous variant.
Genome position (GRCh38, 1-based): chr8:76,983,732, A>C on the plus strand (T>G on the coding strand, the complement: PEX2 is on the minus strand). VCF-style: chr8-76983732-A-C. GRCh37 (hg19) VCF-style: chr8-77895968-A-C.
Other names: c.447T>G, p.Gly149= (NM_001079867.2, NM_001172086.2, NM_001172087.2).
Identifiers: ClinVar variation 593137 (VCV000593137.23), dbSNP rs375401977, ClinGen allele CA4788710.